The following is an entry in ClinVar:

NM_032043.3(BRIP1):c.1702_1703delinsT (p.Asn568fs)

Gene: BRIP1 (BRCA1 interacting DNA helicase 1; minus strand). Cytogenetic location: 17q23.2.
Variant type: Indel.
Coding change: c.1702_1703delinsT on transcript NM_032043.3 (MANE Select); coding-DNA positions 1702 to 1703, AA replaced by T.
Protein change: p.Asn568fs; shifts the reading frame from asparagine 568.
Molecular consequence: frameshift variant.
Genome position (GRCh38, 1-based): chr17:61,780,931-61,780,932, TT replaced by A on the plus strand (AA replaced by T on the coding strand, the reverse complement: BRIP1 is on the minus strand). VCF-style: chr17-61780931-TT-A. GRCh37 (hg19) VCF-style: chr17-59858292-TT-A.
Other names: short protein forms N568fs.
Identifiers: ClinVar variation 2583481 (VCV002583481.2), dbSNP rs2545029519, ClinGen allele CA2582342281.
Genomic context (GRCh38, chr17:61,780,931, plus strand): 5'-ACATGAACTGCAGTTTTCTGTCGTGAACGTTTCTTATTTTTTGGTAGAACCAACAACCCA[TT>A]TTTGTCTGAAATATCAATCTGATTTGTCCAGGAGTAAGTCTGTTGAATCGCAATTTTATA-3'

ClinVar aggregate classification (germline): Pathogenic (1 of 4 stars; one submission).

Conditions:
Familial cancer of breast. Also called: Hereditary breast cancer; BREAST CANCER, FAMILIAL; hereditary breast carcinoma. Identifiers: Orphanet 227535, MedGen C0346153, MONDO:0016419, OMIM 114480. Disease mechanism: loss of function.

Submission:

Myriad Genetics, Inc.
Classification: Pathogenic for Familial cancer of breast. Last evaluated: 2023-06-05. Review status: criteria provided, single submitter. Criteria: Myriad Autosomal Dominant, Autosomal Recessive and X-Linked Classification Criteria (2023). Collection method: clinical testing. Allele origin: unknown.
Comment: This variant is considered pathogenic. This variant creates a frameshift predicted to result in premature protein truncation.